The following is an entry in ClinVar:

ClinVar aggregate classification (germline): Uncertain significance. Review status: criteria provided, multiple submitters, no conflicts (2 of 4 stars). 2 submissions from 2 submitters: Uncertain significance (2). Last evaluated 2025-07-09.

Conditions:
RASopathy. Also called: rasopathies; Noonan spectrum disorder. Identifiers: Orphanet 536391, MedGen C5555857, MONDO:0021060.
Cardiovascular phenotype. Identifiers: MedGen CN230736.

Allele frequency attached by ClinVar (database versions not stated): gnomAD exomes below 0.00001; TOPMed 0.00001.
gnomAD v4.1: 4 of 1,514,594 alleles (0.00026%); highest among the groups gnomAD compares: South Asian, 0.0034%; no homozygotes.

Submissions (2):

Labcorp Genetics (formerly Invitae), Labcorp
Classification: Uncertain significance for RASopathy. Last evaluated: 2025-07-09. Review status: criteria provided, single submitter. Criteria: Invitae Variant Classification Sherloc (09022015). Collection method: clinical testing. Allele origin: germline.
Comment: This sequence change replaces valine, which is neutral and non-polar, with isoleucine, which is neutral and non-polar, at codon 1135 of the SOS1 protein (p.Val1135Ile). This variant is not present in population databases (gnomAD no frequency). This variant has not been reported in the literature in individuals affected with SOS1-related conditions. ClinVar contains an entry for this variant (Variation ID: 3224893). Invitae Evidence Modeling of protein sequence and biophysical properties (such as structural, functional, and spatial information, amino acid conservation, physicochemical variation, residue mobility, and thermodynamic stability) indicates that this missense variant is not expected to disrupt SOS1 protein function with a negative predictive value of 95%. In summary, the available evidence is currently insufficient to determine the role of this variant in disease. Therefore, it has been classified as a Variant of Uncertain Significance.

Ambry Genetics
Classification: Uncertain significance for Cardiovascular phenotype. Last evaluated: 2023-10-23. Review status: criteria provided, single submitter. Criteria: Ambry Variant Classification Scheme 2023. Collection method: clinical testing. Allele origin: germline.
Comment: The p.V1135I variant (also known as c.3403G>A), located in coding exon 22 of the SOS1 gene, results from a G to A substitution at nucleotide position 3403. The valine at codon 1135 is replaced by isoleucine, an amino acid with highly similar properties. This amino acid position is conserved. In addition, this alteration is predicted to be tolerated by in silico analysis. Since supporting evidence is limited at this time, the clinical significance of this alteration remains unclear.

NM_005633.4(SOS1):c.3403G>A (p.Val1135Ile)

Gene: SOS1 (SOS Ras/Rac guanine nucleotide exchange factor 1; minus strand). Cytogenetic location: 2p22.1.
Variant type: single nucleotide variant.
Coding change: c.3403G>A on transcript NM_005633.4 (MANE Select); coding-DNA position 3403, G replaced by A.
Protein change: p.Val1135Ile; replaces valine 1135 with isoleucine.
Molecular consequence: missense variant.
Genome position (GRCh38, 1-based): chr2:38,987,580, C>T on the plus strand (G>A on the coding strand, the complement: SOS1 is on the minus strand). VCF-style: chr2-38987580-C-T. GRCh37 (hg19) VCF-style: chr2-39214721-C-T.
Other names: c.3382G>A, p.Val1128Ile (NM_001382394.1); c.3358G>A, p.Val1120Ile (NM_001382395.1); short protein forms V1120I, V1128I, V1135I.
Identifiers: ClinVar variation 3224893 (VCV003224893.2), dbSNP rs1486583060, ClinGen allele CA346359782.